The following is an entry in ClinVar:

ClinVar aggregate classification (germline): Uncertain significance (1 of 4 stars; one submission).

Conditions:
Chuvash polycythemia. Also called: POLYCYTHEMIA, VHL-DEPENDENT. Identifiers: Orphanet 238557, MedGen C1837915, MONDO:0009892, OMIM 263400.
Von Hippel-Lindau syndrome (VHLS). Also called: Von Hippel-Lindau; von Hippel–Lindau syndrome; VHL syndrome. Identifiers: Orphanet 892, MedGen C0019562, MONDO:0008667, OMIM 193300. Disease mechanism: loss of function.

Submission:

Labcorp Genetics (formerly Invitae), Labcorp
Classification: Uncertain significance for Von Hippel-Lindau syndrome; Chuvash polycythemia. Last evaluated: 2022-09-07. Review status: criteria provided, single submitter. Criteria: Invitae Variant Classification Sherloc (09022015). Collection method: clinical testing. Allele origin: germline.
Comment: In summary, the available evidence is currently insufficient to determine the role of this variant in disease. Therefore, it has been classified as a Variant of Uncertain Significance. Algorithms developed to predict the effect of sequence changes on RNA splicing suggest that this variant is not likely to affect RNA splicing. This variant has not been reported in the literature in individuals affected with VHL-related conditions. This variant is not present in population databases (gnomAD no frequency). This sequence change falls in intron 1 of the VHL gene. It is not expected to change the encoded amino acid sequence of the VHL protein. However, this sequence change falls within a cryptic exon in the VHL gene, known as exon E1’, which is naturally expressed at low levels in several human tissues (PMID: 29891534).

Literature cited by the submitters: PubMed 29891534.

NM_000551.4(VHL):c.340+735C>G

Genes: VHL (von Hippel-Lindau tumor suppressor; plus strand), LOC107303340 (3p25 von Hippel-Lindau tumor suppressor, E3 ubiquitin protein ligase Alu-mediated recombination region; plus strand). Cytogenetic location: 3p25.3.
Variant type: single nucleotide variant.
Coding change: c.340+735C>G on transcript NM_000551.4 (MANE Select); 735 bases into the intron after coding-DNA position 340, C replaced by G.
Molecular consequence: intron variant. On other transcripts: missense variant (1).
Genome position (GRCh38, 1-based): chr3:10,142,922, C>G. VCF-style: chr3-10142922-C-G. GRCh37 (hg19) VCF-style: chr3-10184606-C-G.
Other names: c.500C>G, p.Pro167Arg (NM_001354723.2); c.340+735C>G (NM_198156.3); short protein forms P167R.
Identifiers: ClinVar variation 2024662 (VCV002024662.4), dbSNP rs2470160182, ClinGen allele CA2580068442.
Genomic context (GRCh38, chr3:10,142,922, plus strand): 5'-AGGGTCATGTTGGCGCCGGAAGAGCCGACCGTGTGTGGCGTGGGAAATTGACTTACCTGC[C>G]TGCTGGGAGATGGAGGGGTTGCGGTTGTGTGGTTTCAGTTAAGGAGCACTTCCCGGAGAA-3'